The following is an entry in ClinVar:

ClinVar aggregate classification (germline): Likely benign. Review status: criteria provided, multiple submitters, no conflicts (2 of 4 stars). 3 submissions from 3 submitters: Likely benign (3). Last evaluated 2025-05-19.

Conditions:
Hereditary cancer-predisposing syndrome. Also called: Hereditary neoplastic syndrome; Neoplastic Syndromes, Hereditary; Tumor predisposition; Hereditary Cancer Syndrome. Identifiers: Orphanet 140162, MedGen C0027672, MeSH D009386, MONDO:0015356.
Neurofibromatosis, type 1 (NF1). Also called: VON RECKLINGHAUSEN DISEASE; Peripheral type neurofibromatosis; NEUROFIBROMATOSIS, TYPE I, SOMATIC; Neurofibromatosis, type I. Identifiers: Orphanet 636, MedGen C0027831, MONDO:0018975, OMIM 162200. Disease mechanism: loss of function.

Submissions (3):

Labcorp Genetics (formerly Invitae), Labcorp
Classification: Likely benign for Neurofibromatosis, type 1. Last evaluated: 2025-05-19. Review status: criteria provided, single submitter. Criteria: Invitae Variant Classification Sherloc (09022015). Collection method: clinical testing. Allele origin: germline.

Genome-Nilou Lab
Classification: Likely benign for Neurofibromatosis, type 1. Last evaluated: 2022-03-15. Review status: criteria provided, single submitter. Criteria: ACMG Guidelines, 2015. Collection method: clinical testing. Allele origin: germline. Affected: no.

Ambry Genetics
Classification: Likely benign for Hereditary cancer-predisposing syndrome. Last evaluated: 2016-02-29. Review status: criteria provided, single submitter. Criteria: Ambry Autosomal Dominant and X-Linked criteria (10/2015). Collection method: clinical testing. Allele origin: germline. Observed: 1 variant allele.
Comment: Synonymous alterations with insufficient evidence to classify as benign

NM_001042492.3(NF1):c.4867C>T (p.Leu1623=)

Gene: NF1 (neurofibromin 1; plus strand). Cytogenetic location: 17q11.2.
Variant type: single nucleotide variant.
Coding change: c.4867C>T on transcript NM_001042492.3 (MANE Select); coding-DNA position 4867, C replaced by T.
Protein change: p.Leu1623=; no amino-acid change (leucine 1623 retained).
Molecular consequence: synonymous variant.
Genome position (GRCh38, 1-based): chr17:31,325,851, C>T. VCF-style: chr17-31325851-C-T. GRCh37 (hg19) VCF-style: chr17-29652869-C-T.
Other names: c.4804C>T, p.Leu1602= (NM_000267.4).
Identifiers: ClinVar variation 480103 (VCV000480103.10), dbSNP rs1555533277, ClinGen allele CA499232930.
Genomic context (GRCh38, chr17:31,325,851, plus strand): 5'-ATCTTTGTCTTTTTTGTCATTTTCCTTAGGTTCAAAACTGGTCAAATCAATGGTGATTTG[C>T]TGATATACCATGTCTTACTGACTTTAAAGCCATATTATGCAAAGCCATATGAAATTGTAG-3'
Protein context (NP_001035957.1, residues 1613-1633): FKTGQINGDL[Leu1623=]IYHVLLTLKP